The following is an entry in ClinVar:

NM_001278716.2(FBXL4):c.*18A>G

Gene: FBXL4 (F-box and leucine rich repeat protein 4; minus strand). Cytogenetic location: 6q16.1.
Variant type: single nucleotide variant.
Coding change: c.*18A>G on transcript NM_001278716.2 (MANE Select); 18 bases downstream of the stop codon, A replaced by G.
Molecular consequence: 3 prime UTR variant. On other transcripts: non-coding transcript variant (1).
Genome position (GRCh38, 1-based): chr6:98,874,260, T>C on the plus strand (A>G on the coding strand, the complement: FBXL4 is on the minus strand). VCF-style: chr6-98874260-T-C. GRCh37 (hg19) VCF-style: chr6-99322136-T-C.
Other names: c.*18A>G (NM_012160.5).
Identifiers: ClinVar variation 437825 (VCV000437825.1), dbSNP rs9388792, ClinGen allele CA3933328.

ClinVar aggregate classification (germline): Uncertain significance (1 of 4 stars; one submission).

Conditions:
Mitochondrial DNA depletion syndrome 13. Also called: FBXL4-Related Encephalomyopathic Mitochondrial DNA Depletion Syndrome; Mitochondrial DNA depletion syndrome 13 (encephalomyopathic type). Identifiers: Orphanet 369897, MedGen C3809592, MONDO:0014198, OMIM 615471.

Allele frequency attached by ClinVar (database versions not stated): gnomAD exomes below 0.00001 and 0.00001; gnomAD 0.00001; ExAC 0.00002.

Submission:

Wong Mito Lab, Molecular and Human Genetics, Baylor College of Medicine
Classification: Uncertain significance for Mitochondrial DNA depletion syndrome 13. Last evaluated: 2017-08-10. Review status: criteria provided, single submitter. Criteria: ACMG Guidelines, 2015. Collection method: reference population. Allele origin: germline.
Comment: The NM_012160.4:c.*18A>G (NP_036292.2:p.=) [GRCH38: NC_000006.12:g.98874260T>C] variant in FBXL4 gene is interpretated to be a Uncertain Significance - Insufficient Evidence based on ACMG guidelines (PMID: 25741868). This variant meets one or more of the following evidence codes reported in the ACMG-guideline. PM2:This variant is absent in key population databases. Based on this evidence code ClinGen Pathogenicity Calculator (PMID:28081714) suggested that the variant is Uncertain Significance - Insufficient Evidence.